The following is an entry in ClinVar:

NM_000368.5(TSC1):c.2380C>T (p.Gln794Ter)

Gene: TSC1 (TSC complex subunit 1; minus strand). Cytogenetic location: 9q34.13.
Variant type: single nucleotide variant.
Coding change: c.2380C>T on transcript NM_000368.5 (MANE Select); coding-DNA position 2380, C replaced by T.
Protein change: p.Gln794Ter; replaces glutamine 794 with a stop codon.
Molecular consequence: nonsense.
Genome position (GRCh38, 1-based): chr9:132,902,616, G>A on the plus strand (C>T on the coding strand, the complement: TSC1 is on the minus strand). VCF-style: chr9-132902616-G-A. GRCh37 (hg19) VCF-style: chr9-135778003-G-A.
Other names: c.2377C>T, p.Gln793Ter (NM_001162426.2); c.2227C>T, p.Gln743Ter (NM_001162427.2); c.2017C>T, p.Gln673Ter (NM_001362177.2); short protein forms Q794*, Q743*, Q793*, Q673*.
Identifiers: ClinVar variation 489349 (VCV000489349.13), dbSNP rs781371665, ClinGen allele CA375359090.

ClinVar aggregate classification (germline): Pathogenic. Review status: criteria provided, multiple submitters, no conflicts (2 of 4 stars). 4 submissions from 4 submitters: Pathogenic (4). Last evaluated 2022-07-22.

Conditions:
Tuberous sclerosis 1 (TSC1). Identifiers: Orphanet 805, MedGen C1854465, MONDO:0008612, OMIM 191100.

Submissions (4):

ARUP Laboratories, Molecular Genetics and Genomics, ARUP Laboratories
Classification: Pathogenic. Last evaluated: 2022-07-22. Review status: criteria provided, single submitter. Criteria: ARUP Molecular Germline Variant Investigation Process 2021. Collection method: clinical testing. Allele origin: germline.
Comment: The TSC1 c.2380C>T, p.Gln794Ter variant (rs781371665) is reported in the literature in several individuals with a diagnosis of tuberous sclerosis (Jiang 2021, Peron 2018, Pompili 2009). This variant is also reported in ClinVar (Variation ID: 489349), but is absent from the Genome Aggregation Database, indicating it is not a common polymorphism. This variant induces an early termination codon and is predicted to result in a truncated protein or mRNA subject to nonsense-mediated decay. Variants that introduce premature termination codons in TSC1 are responsible for almost all TSC1 associated tuberous sclerosis cases (Curatolo 2015). Based on available information, this variant is considered to be pathogenic. References: Curatolo P et al. Genotype/Phenotype Correlations in Tuberous Sclerosis Complex. Semin Pediatr Neurol. 2015 Dec;22(4):259-73. PMID: 26706013. Jiang T et al. Application of Trio-Whole Exome Sequencing in Genetic Diagnosis and Therapy in Chinese Children With Epilepsy. Front Mol Neurosci. 2021 Aug 19;14:699574. PMID: 34489640. Peron A et al. Deep phenotyping of patients with Tuberous Sclerosis Complex and no mutation identified in TSC1 and TSC2. Eur J Med Genet. 2018 Jul;61(7):403-410. PMID: 29432982. Pompili G et al. Magnetic resonance imaging of renal involvement in genetically studied patients with tuberous sclerosis complex. Eur J Radiol. 2009 Nov;72(2):335-41. PMID: 18835118.

Labcorp Genetics (formerly Invitae), Labcorp
Classification: Pathogenic for Tuberous sclerosis 1. Last evaluated: 2021-03-29. Review status: criteria provided, single submitter. Criteria: Invitae Variant Classification Sherloc (09022015). Collection method: clinical testing. Allele origin: germline.
Comment: For these reasons, this variant has been classified as Pathogenic. This variant has been observed in individual(s) with tuberous sclerosis complex (PMID: 29432982, 10533069, 28065512, 32313033). ClinVar contains an entry for this variant (Variation ID: 489349). This variant is not present in population databases (ExAC no frequency). This sequence change creates a premature translational stop signal (p.Gln794*) in the TSC1 gene. It is expected to result in an absent or disrupted protein product. Loss-of-function variants in TSC1 are known to be pathogenic (PMID: 10227394, 17304050).

GeneDx
Classification: Pathogenic. Last evaluated: 2018-01-10. Review status: criteria provided, single submitter. Criteria: GeneDx Variant Classification (06012015). Collection method: clinical testing. Allele origin: germline. Affected: yes.
Comment: The Q794X nonsense variant in the TSC1 gene has been reported previously in multiple unrelatedindividuals with a clinical diagnosis of tuberous sclerosis complex, including two individuals with denovo variants (Pompili et al., 2009; TSC1 LOVD). This pathogenic variant is predicted to cause lossof normal protein function either through protein truncation or nonsense-mediated mRNA decay.Furthermore, the Q794X variant is not observed in large population cohorts (Lek et al., 2016).

Oasi Research Institute-IRCCS
Classification: Pathogenic for Tuberous sclerosis 1. Review status: criteria provided, single submitter. Criteria: ACMG Guidelines, 2015. Collection method: research. Allele origin: de novo. Affected: yes.
Comment: The genomic variant c.2380C>T is a single nucleotide substitution. This variant creates a premature translational stop signal. It is expected to result in a protein truncation or nonsense mediated decay. Several tools classified the variant as pathogenic: BayesDel addAF, BayesDel noAF, CADD, EIGEN, EIGEN PC, FATHMM-MKL, LRT. ACMG criteria: PVS1 (LOF), PP4 (phenotype match), PM2 (absent from controls), PP3 (in silico evidence), PS2 (de novo)= Pathogenic. Based on the evidence outlined above, the variant was classified as Pathogenic.

Literature cited by the submitters: PubMed 29432982 (cited by Labcorp Genetics (formerly Invitae), Labcorp); PubMed 10533069 (cited by Labcorp Genetics (formerly Invitae), Labcorp); PubMed 28065512 (cited by Labcorp Genetics (formerly Invitae), Labcorp); PubMed 32313033 (cited by Labcorp Genetics (formerly Invitae), Labcorp); PubMed 10227394 (cited by Labcorp Genetics (formerly Invitae), Labcorp); PubMed 17304050 (cited by Labcorp Genetics (formerly Invitae), Labcorp).